The following is an entry in ClinVar:

NM_001283009.2(RTEL1):c.2284C>T (p.Arg762Trp)

Genes: RTEL1 (regulator of telomere elongation helicase 1; plus strand), RTEL1-TNFRSF6B (RTEL1-TNFRSF6B readthrough (NMD candidate); plus strand). Cytogenetic location: 20q13.33.
Variant type: single nucleotide variant.
Coding change: c.2284C>T on transcript NM_001283009.2 (MANE Select); coding-DNA position 2284, C replaced by T.
Protein change: p.Arg762Trp; replaces arginine 762 with tryptophan.
Molecular consequence: missense variant. On other transcripts: non-coding transcript variant (1).
Genome position (GRCh38, 1-based): chr20:63,690,312, C>T. VCF-style: chr20-63690312-C-T. GRCh37 (hg19) VCF-style: chr20-62321665-C-T.
Other names: c.1615C>T, p.Arg539Trp (NM_001283010.1); c.2284C>T, p.Arg762Trp (NM_016434.4); c.2356C>T, p.Arg786Trp (NM_032957.5); short protein forms R539W, R762W, R786W.
Identifiers: ClinVar variation 850979 (VCV000850979.10), dbSNP rs750251447, ClinGen allele CA9965272.
Genomic context (GRCh38, chr20:63,690,312, plus strand): 5'-GAGGAGCCAGAAATGGGTCCACCCACCCCCATGGTTCTGCAGATGCCAGCGCCGGCCCCC[C>T]GGGCTACAGCACCCAGTGTGCGTGGAGAAGATGCTGTCAGCGAGGCCAAGTCGCCTGGCC-3'
Protein context (NP_001269938.1, residues 752-772): AERTMPAPAP[Arg762Trp]ATAPSVRGED

ClinVar aggregate classification (germline): Uncertain significance. Review status: criteria provided, multiple submitters, no conflicts (2 of 4 stars). 4 submissions from 4 submitters: Uncertain significance (3). 1 of the submissions does not count toward it. Last evaluated 2025-12-28.

Conditions:
Dyskeratosis congenita, autosomal recessive 5 (DKCB5). Identifiers: MedGen C3554656, MONDO:0014076, OMIM 615190.
Pulmonary fibrosis and/or bone marrow failure, Telomere-related, 3. Also called: PULMONARY FIBROSIS AND/OR BONE MARROW FAILURE SYNDROME, TELOMERE-RELATED, 3. Identifiers: Orphanet 2032, MedGen C4225346, MONDO:0014613, OMIM 616373.
Dyskeratosis congenita. Identifiers: Orphanet 1775, MedGen C0265965, MONDO:0015780.

Allele frequency attached by ClinVar (database versions not stated): gnomAD 0.00003 and 0.00004; TOPMed 0.00003; ExAC 0.00007; gnomAD exomes 0.00007.
gnomAD v4.1: 83 of 1,607,620 alleles (0.0052%); highest among the groups gnomAD compares: South Asian, 0.026%; no homozygotes.

Submissions (4):

Labcorp Genetics (formerly Invitae), Labcorp
Classification: Uncertain significance for Dyskeratosis congenita, autosomal recessive 5; Pulmonary fibrosis and/or bone marrow failure, Telomere-related, 3. Last evaluated: 2025-12-28. Review status: criteria provided, single submitter. Criteria: Invitae Variant Classification Sherloc (09022015). Collection method: clinical testing. Allele origin: germline.
Comment: This sequence change replaces arginine, which is basic and polar, with tryptophan, which is neutral and slightly polar, at codon 762 of the RTEL1 protein (p.Arg762Trp). This variant is present in population databases (rs750251447, gnomAD 0.03%). This variant has not been reported in the literature in individuals affected with RTEL1-related conditions. ClinVar contains an entry for this variant (Variation ID: 850979). An algorithm developed to predict the effect of missense changes on protein structure and function (PolyPhen-2) suggests that this variant is likely to be tolerated. In summary, the available evidence is currently insufficient to determine the role of this variant in disease. Therefore, it has been classified as a Variant of Uncertain Significance.

Blueprint Genetics
Classification: Uncertain significance. Last evaluated: 2024-10-28. Review status: criteria provided, single submitter. Criteria: ACMG Guidelines, 2015. Collection method: clinical testing. Allele origin: germline.

Breakthrough Genomics
Classification: Uncertain significance. Review status: criteria provided, single submitter. Criteria: ACMG Guidelines, 2015. Collection method: not provided. Allele origin: germline. Inheritance: Autosomal dominant inheritance. Affected: yes.

Natera, Inc.
Classification: Uncertain significance for Dyskeratosis congenita. Last evaluated: 2020-02-26. Review status: no assertion criteria provided. Collection method: clinical testing. Allele origin: germline. Not counted in ClinVar's aggregate classification.